The following is an entry in ClinVar:

NM_004285.4(H6PD):c.1730G>A (p.Arg577Gln)

Gene: H6PD (hexose-6-phosphate dehydrogenase/glucose 1-dehydrogenase; plus strand). Cytogenetic location: 1p36.22.
Variant type: single nucleotide variant.
Coding change: c.1730G>A on transcript NM_004285.4 (MANE Select); coding-DNA position 1730, G replaced by A.
Protein change: p.Arg577Gln; replaces arginine 577 with glutamine.
Molecular consequence: missense variant.
Genome position (GRCh38, 1-based): chr1:9,264,223, G>A. VCF-style: chr1-9264223-G-A. GRCh37 (hg19) VCF-style: chr1-9324282-G-A.
Other names: c.1763G>A, p.Arg588Gln (NM_001282587.2); c.1730G>A (NM_004285.3); short protein forms R588Q, R577Q.
Identifiers: ClinVar variation 2167410 (VCV002167410.4), dbSNP rs201127379, ClinGen allele CA575395.
Genomic context (GRCh38, chr1:9,264,223, plus strand): 5'-CCGCCTGGTCCGAGGAGCTGATCTCTAAGCTGGCTAATGACATCGAGGCCACCGCTGTGC[G>A]AGCCGTGCGGCGCTTTGGCCAGTTCCACCTGGCACTGTCGGGGGGCTCGAGCCCCGTGGC-3'
Protein context (NP_004276.2, residues 567-587): LANDIEATAV[Arg577Gln]AVRRFGQFHL

ClinVar aggregate classification (germline): Conflicting classifications of pathogenicity. Review status: criteria provided, conflicting classifications (1 of 4 stars). 2 submissions from 2 submitters: Uncertain significance (1); Likely benign (1). Last evaluated 2024-02-17.

Conditions:
Inborn genetic diseases. Identifiers: MedGen C0950123, MeSH D030342.

Allele frequency attached by ClinVar (database versions not stated): gnomAD 0.00007; ESP Exome Variant Server 0.00008; TOPMed 0.00011; ExAC 0.00012; gnomAD exomes 0.00023.
gnomAD v4.1: 342 of 1,610,210 alleles (0.021%); highest among the groups gnomAD compares: Non-Finnish European, 0.027%; no homozygotes.

Submissions (2):

Ambry Genetics
Classification: Likely benign for Inborn genetic diseases. Last evaluated: 2024-02-17. Review status: criteria provided, single submitter. Criteria: Ambry Variant Classification Scheme 2023. Collection method: clinical testing. Allele origin: germline.

Labcorp Genetics (formerly Invitae), Labcorp
Classification: Uncertain significance. Last evaluated: 2022-07-19. Review status: criteria provided, single submitter. Criteria: Invitae Variant Classification Sherloc (09022015). Collection method: clinical testing. Allele origin: germline.
Comment: Algorithms developed to predict the effect of missense changes on protein structure and function output the following: SIFT: "Tolerated"; PolyPhen-2: "Benign"; Align-GVGD: "Class C0". The glutamine amino acid residue is found in multiple mammalian species, which suggests that this missense change does not adversely affect protein function. In summary, the available evidence is currently insufficient to determine the role of this variant in disease. Therefore, it has been classified as a Variant of Uncertain Significance. This variant has not been reported in the literature in individuals affected with H6PD-related conditions. This variant is present in population databases (rs201127379, gnomAD 0.02%). This sequence change replaces arginine, which is basic and polar, with glutamine, which is neutral and polar, at codon 577 of the H6PD protein (p.Arg577Gln).